The following is an entry in ClinVar:

NM_181078.3(IL21R):c.601C>T (p.Arg201Trp)

Gene: IL21R (interleukin 21 receptor; plus strand). Cytogenetic location: 16p12.1.
Variant type: single nucleotide variant.
Coding change: c.601C>T on transcript NM_181078.3 (MANE Select); coding-DNA position 601, C replaced by T.
Protein change: p.Arg201Trp; replaces arginine 201 with tryptophan.
Molecular consequence: missense variant.
Genome position (GRCh38, 1-based): chr16:27,444,635, C>T. VCF-style: chr16-27444635-C-T. GRCh37 (hg19) VCF-style: chr16-27455956-C-T.
Other names: c.601C>T, p.Arg201Trp (NM_021798.4); c.667C>T, p.Arg223Trp (NM_181079.5); short protein forms R201W, R223W.
Identifiers: ClinVar variation 1896592 (VCV001896592.5), dbSNP rs767388017, ClinGen allele CA7975019.

ClinVar aggregate classification (germline): Uncertain significance (1 of 4 stars; one submission).

Conditions:
Cryptosporidiosis-chronic cholangitis-liver disease syndrome. Also called: IL21R immunodeficiency; Immunodeficiency type 56. Identifiers: Orphanet 357329, MedGen C3554687, MONDO:0014082, OMIM 615207.

Allele frequency attached by ClinVar (database versions not stated): ExAC 0.00002.
gnomAD v4.1: 12 of 1,587,850 alleles (0.00076%); highest among the groups gnomAD compares: South Asian, 0.0011%; no homozygotes.

Submission:

Labcorp Genetics (formerly Invitae), Labcorp
Classification: Uncertain significance for Cryptosporidiosis-chronic cholangitis-liver disease syndrome. Last evaluated: 2024-02-24. Review status: criteria provided, single submitter. Criteria: Invitae Variant Classification Sherloc (09022015). Collection method: clinical testing. Allele origin: germline.
Comment: This sequence change replaces arginine, which is basic and polar, with tryptophan, which is neutral and slightly polar, at codon 201 of the IL21R protein (p.Arg201Trp). The frequency data for this variant in the population databases is considered unreliable, as metrics indicate poor data quality at this position in the gnomAD database. This variant has not been reported in the literature in individuals affected with IL21R-related conditions. ClinVar contains an entry for this variant (Variation ID: 1896592). Advanced modeling of protein sequence and biophysical properties (such as structural, functional, and spatial information, amino acid conservation, physicochemical variation, residue mobility, and thermodynamic stability) performed at Invitae indicates that this missense variant is expected to disrupt IL21R protein function with a positive predictive value of 80%. This variant disrupts the p.Arg201 amino acid residue in IL21R. Other variant(s) that disrupt this residue have been determined to be pathogenic (PMID: 23440042). This suggests that this residue is clinically significant, and that variants that disrupt this residue are likely to be disease-causing. In summary, the available evidence is currently insufficient to determine the role of this variant in disease. Therefore, it has been classified as a Variant of Uncertain Significance.

Literature cited by the submitters: PubMed 23440042.